The following is an entry in ClinVar:

ClinVar aggregate classification (germline): Uncertain significance (1 of 4 stars; one submission).

Allele frequency attached by ClinVar (database versions not stated): gnomAD exomes below 0.00001; gnomAD 0.00001.

Submission:

Labcorp Genetics (formerly Invitae), Labcorp
Classification: Uncertain significance. Last evaluated: 2024-12-02. Review status: criteria provided, single submitter. Criteria: Invitae Variant Classification Sherloc (09022015). Collection method: clinical testing. Allele origin: germline.
Comment: This sequence change falls in intron 20 of the ERCC2 gene. It does not directly change the encoded amino acid sequence of the ERCC2 protein. This variant is not present in population databases (gnomAD no frequency). This variant has not been reported in the literature in individuals affected with ERCC2-related conditions. ClinVar contains an entry for this variant (Variation ID: 2132699). In summary, the available evidence is currently insufficient to determine the role of this variant in disease. Therefore, it has been classified as a Variant of Uncertain Significance.

NM_000400.4(ERCC2):c.1902+10_1903-43del

Gene: ERCC2 (ERCC excision repair 2, TFIIH core complex helicase subunit; minus strand). Cytogenetic location: 19q13.32.
Variant type: Deletion.
Coding change: c.1902+10_1903-43del on transcript NM_000400.4 (MANE Select); 10 bases into the intron after coding-DNA position 1902 through 43 bases into the intron before coding-DNA position 1903, 45 bases deleted.
Molecular consequence: intron variant.
Genome position (GRCh38, 1-based): chr19:45,352,692-45,352,736, 45 bases deleted. GRCh37 (hg19): chr19:45,855,950-45,855,994.
Identifiers: ClinVar variation 2132699 (VCV002132699.4), dbSNP rs1971853106, ClinGen allele CA996295424.
Genomic context (GRCh38, chr19:45,352,691, plus strand): 5'-GCAGGTATTCCAGCCGCGCCTGCAGATACGGAGGATGAGAAGCTGGGGAGGTGGGGGAGC[CACTCCTCCCTTGATCCTAACACTGTGGGACTCCCTGGGAGACAGA>C]GCTACTCACCTTGAGAATGCGGCTCTGTGTGTAGACGTAGGGGACGCCAAACATGATGAC-3'